The following is an entry in ClinVar:

NM_003334.4(UBA1):c.503C>T (p.Pro168Leu)

Gene: UBA1 (ubiquitin like modifier activating enzyme 1; plus strand). Cytogenetic location: Xp11.3.
Variant type: single nucleotide variant.
Coding change: c.503C>T on transcript NM_003334.4 (MANE Select); coding-DNA position 503, C replaced by T.
Protein change: p.Pro168Leu; replaces proline 168 with leucine.
Molecular consequence: missense variant.
Genome position (GRCh38, 1-based): chrX:47,200,916, C>T. VCF-style: chrX-47200916-C-T. GRCh37 (hg19) VCF-style: chrX-47060315-C-T.
Other names: c.503C>T, p.Pro168Leu (NM_153280.3); short protein forms P168L.
Identifiers: ClinVar variation 2904177 (VCV002904177.3), dbSNP rs1295605586, ClinGen allele CA412791691.

ClinVar aggregate classification (germline): Uncertain significance (1 of 4 stars; one submission).

Conditions:
Infantile-onset X-linked spinal muscular atrophy. Also called: SPINAL MUSCULAR ATROPHY, X-LINKED LETHAL INFANTILE; Spinal muscular atrophy, X-linked 2; AMC, DISTAL, X-LINKED; ARTHROGRYPOSIS, X-LINKED, TYPE I; Spinal Muscular Atrophy, X-Linked Infantile. Identifiers: Orphanet 1145, MedGen C1844934, MONDO:0010532, OMIM 301830.

Allele frequency attached by ClinVar (database versions not stated): TOPMed below 0.00001.

Submission:

Labcorp Genetics (formerly Invitae), Labcorp
Classification: Uncertain significance for Infantile-onset X-linked spinal muscular atrophy. Last evaluated: 2023-07-07. Review status: criteria provided, single submitter. Criteria: Invitae Variant Classification Sherloc (09022015). Collection method: clinical testing. Allele origin: germline.
Comment: This sequence change replaces proline, which is neutral and non-polar, with leucine, which is neutral and non-polar, at codon 168 of the UBA1 protein (p.Pro168Leu). This variant is not present in population databases (gnomAD no frequency). This variant has not been reported in the literature in individuals affected with UBA1-related conditions. An algorithm developed to predict the effect of missense changes on protein structure and function (PolyPhen-2) suggests that this variant is likely to be tolerated. In summary, the available evidence is currently insufficient to determine the role of this variant in disease. Therefore, it has been classified as a Variant of Uncertain Significance.